The following is an entry in ClinVar:

NM_198428.3(BBS9):c.1693+1G>A

Gene: BBS9 (Bardet-Biedl syndrome 9; plus strand). Cytogenetic location: 7p14.3.
Variant type: single nucleotide variant.
Coding change: c.1693+1G>A on transcript NM_198428.3 (MANE Select); the canonical splice donor site of the intron after coding-DNA position 1693, G replaced by A.
Molecular consequence: splice donor variant.
Genome position (GRCh38, 1-based): chr7:33,357,996, G>A. VCF-style: chr7-33357996-G-A. GRCh37 (hg19) VCF-style: chr7-33397608-G-A.
Other names: c.1693+1G>A (NM_001348036.1, NM_001362679.1, NM_001348041.4 and 2 more transcripts); c.1420+1G>A (NM_001348038.3); c.1315+1G>A (NM_001348039.3); c.1678+1G>A (NM_001033605.2); c.1588+1G>A (NM_001033604.2); c.1573+1G>A (NM_014451.4, NM_001348040.3); c.1327+1G>A (NM_001348037.3, NM_001348045.3, NM_001348046.3); c.1558+1G>A (NM_001348042.3); and 1 more.
Identifiers: ClinVar variation 872218 (VCV000872218.45), dbSNP rs1295000119, ClinGen allele CA367252328.

ClinVar aggregate classification (germline): Pathogenic/Likely pathogenic. Review status: criteria provided, multiple submitters, no conflicts (2 of 4 stars). 5 submissions from 5 submitters: Pathogenic (3); Likely pathogenic (1). 1 of the submissions does not count toward it. Last evaluated 2025-03-12.

Conditions:
Bardet-Biedl syndrome 9 (BBS9). Identifiers: Orphanet 110, MedGen C1859567, MONDO:0014437, OMIM 615986.
BBS9-related disorder. Also called: BBS9-related condition.
Bardet-Biedl syndrome (BBS). Identifiers: Orphanet 110, MedGen C0752166, MONDO:0015229.

Allele frequency attached by ClinVar (database versions not stated): TOPMed below 0.00001; gnomAD 0.00001.
gnomAD v4.1: 1 of 1,611,496 alleles (0.000062%); highest among the groups gnomAD compares: Non-Finnish European, 0.000085%; no homozygotes.

Submissions (5):

GeneDx
Classification: Likely pathogenic. Last evaluated: 2025-03-12. Review status: criteria provided, single submitter. Criteria: GeneDx Variant Classification Process June 2021. Collection method: clinical testing. Allele origin: germline. Affected: yes.
Comment: Canonical splice site variant predicted to result in an in-frame loss of the adjacent exon in a gene for which loss of function is a known mechanism of disease; Not observed at significant frequency in large population cohorts (gnomAD); This variant is associated with the following publications: (PMID: 29302074, 26766544, 35886001, 31964843, 33138063)

Baylor Genetics
Classification: Pathogenic for Bardet-Biedl syndrome 9. Last evaluated: 2024-03-27. Review status: criteria provided, single submitter. Criteria: ACMG Guidelines, 2015. Collection method: clinical testing. Allele origin: unknown.

Labcorp Genetics (formerly Invitae), Labcorp
Classification: Pathogenic for Bardet-Biedl syndrome. Last evaluated: 2023-08-21. Review status: criteria provided, single submitter. Criteria: Invitae Variant Classification Sherloc (09022015). Collection method: clinical testing. Allele origin: germline.
Comment: For these reasons, this variant has been classified as Pathogenic. Algorithms developed to predict the effect of sequence changes on RNA splicing suggest that this variant may disrupt the consensus splice site. ClinVar contains an entry for this variant (Variation ID: 872218). Disruption of this splice site has been observed in individual(s) with Bardet-Biedl syndrome (PMID: 26766544, 33138063). In at least one individual the data is consistent with being in trans (on the opposite chromosome) from a pathogenic variant. This variant is present in population databases (no rsID available, gnomAD 0.007%). This sequence change affects a donor splice site in intron 16 of the BBS9 gene. It is expected to disrupt RNA splicing. Variants that disrupt the donor or acceptor splice site typically lead to a loss of protein function (PMID: 16199547), and loss-of-function variants in BBS9 are known to be pathogenic (PMID: 16380913, 20177705).

CeGaT Center for Human Genetics Tuebingen
Classification: Pathogenic. Last evaluated: 2018-04-01. Review status: criteria provided, single submitter. Criteria: CeGaT Center For Human Genetics Tuebingen Variant Classification Criteria Version 2. Collection method: clinical testing. Allele origin: germline. Affected: yes. Observed: 1 variant allele.

PreventionGenetics, part of Exact Sciences
Classification: Pathogenic for BBS9-related condition. Last evaluated: 2023-10-25. Review status: no assertion criteria provided. Collection method: clinical testing. Allele origin: germline. Not counted in ClinVar's aggregate classification.
Comment: The BBS9 c.1693+1G>A variant is predicted to disrupt the GT donor site and interfere with normal splicing. This variant was reported in the homozygous and compound heterozygous states in individuals with Leber congenital amaurosis and Bardet-Biedl syndrome (Weisschuh et al. 2016. PubMed ID: 26766544; Table S1, Hu et al. 2018. PubMed ID: 29302074; Jeziorny et al. 2020. PubMed ID: 33138063). This variant is reported in 0.0065% of alleles in individuals of European (Non-Finnish) descent in gnomAD. Variants that disrupt the consensus splice donor site in BBS9 are expected to be pathogenic. This variant is interpreted as pathogenic.

Literature cited by the submitters: PubMed 26766544 (cited by Labcorp Genetics (formerly Invitae), Labcorp); PubMed 33138063 (cited by Labcorp Genetics (formerly Invitae), Labcorp); PubMed 16199547 (cited by Labcorp Genetics (formerly Invitae), Labcorp); PubMed 16380913 (cited by Labcorp Genetics (formerly Invitae), Labcorp); PubMed 20177705 (cited by Labcorp Genetics (formerly Invitae), Labcorp).